The following is an entry in ClinVar:

NM_020458.4(TTC7A):c.1213C>T (p.Arg405Ter)

Gene: TTC7A (tetratricopeptide repeat domain 7A; plus strand). Cytogenetic location: 2p21.
Variant type: single nucleotide variant.
Coding change: c.1213C>T on transcript NM_020458.4 (MANE Select); coding-DNA position 1213, C replaced by T.
Protein change: p.Arg405Ter; replaces arginine 405 with a stop codon.
Molecular consequence: nonsense.
Genome position (GRCh38, 1-based): chr2:47,006,650, C>T. VCF-style: chr2-47006650-C-T. GRCh37 (hg19) VCF-style: chr2-47233789-C-T.
Other names: c.1213C>T, p.Arg405Ter (NM_001288951.2); c.1111C>T, p.Arg371Ter (NM_001288953.2); c.151C>T, p.Arg51Ter (NM_001288955.2); c.1213C>T (NM_001288951.1); short protein forms R371*, R405*, R51*.
Identifiers: ClinVar variation 1456875 (VCV001456875.10), dbSNP rs779549457, ClinGen allele CA1647566.

ClinVar aggregate classification (germline): Pathogenic/Likely pathogenic. Review status: criteria provided, multiple submitters, no conflicts (2 of 4 stars). 3 submissions from 3 submitters: Pathogenic (2); Likely pathogenic (1). Last evaluated 2025-12-30.

Conditions:
Gastrointestinal defects and immunodeficiency syndrome 1 (GIDID1). Also called: Combined immunodeficiency-enteropathy spectrum. Identifiers: Orphanet 436252, MedGen C5968858, MONDO:0800030, OMIM 243150.
Multiple gastrointestinal atresias. Also called: FAMILIAL INTESTINAL POLYATRESIA SYNDROME; Multiple intestinal atresia. Identifiers: Orphanet 2300, MedGen C0220744, MONDO:0009465.

Allele frequency attached by ClinVar (database versions not stated): TOPMed 0.00002.

Submissions (4):

Variantyx, Inc.
Classification: Pathogenic for Gastrointestinal defects and immunodeficiency syndrome 1. Last evaluated: 2025-12-30. Review status: criteria provided, single submitter. Criteria: Variantyx Assertion Criteria 2022. Collection method: clinical testing. Allele origin: germline. Inheritance: Autosomal recessive inheritance. Affected: no.
Comment: This is a nonsense variant in the TTC7A gene (OMIM: 609332). Pathogenic variants in this gene have been associated with autosomal recessive gastrointestinal defects and immunodeficiency syndrome. This variant introduces a premature termination codon in exon 10 out of 20 and is expected to result in loss of function, which is a known disease mechanism for TTC7A in this disorder (PMID:23423984) (PVS1). This variant has been identified in the compound heterozygous state in at least one individual reported in the published literature (PMID: 39873864) (PM3). It has a 0.0045% maximum allele frequency in non-founder control populations (PM2). Based on the current evidence, this variant is classified as pathogenic for autosomal recessive gastrointestinal defects and immunodeficiency syndrome.

Labcorp Genetics (formerly Invitae), Labcorp
Classification: Pathogenic for Multiple gastrointestinal atresias. Last evaluated: 2024-12-05. Review status: criteria provided, single submitter. Criteria: Invitae Variant Classification Sherloc (09022015). Collection method: clinical testing. Allele origin: germline.
Comment: This sequence change creates a premature translational stop signal (p.Arg405*) in the TTC7A gene. It is expected to result in an absent or disrupted protein product. Loss-of-function variants in TTC7A are known to be pathogenic (PMID: 23830146, 24292712). This variant is present in population databases (rs779549457, gnomAD 0.01%). This variant has not been reported in the literature in individuals affected with TTC7A-related conditions. ClinVar contains an entry for this variant (Variation ID: 1456875). For these reasons, this variant has been classified as Pathogenic.

Fulgent Genetics
Classification: Likely pathogenic for Gastrointestinal defects and immunodeficiency syndrome 1. Last evaluated: 2024-03-06. Review status: criteria provided, single submitter. Criteria: ACMG Guidelines, 2015. Collection method: clinical testing. Allele origin: germline.

Dr. Peter K. Rogan Lab, Western University
No classification provided (evidence only). Condition: Uterine corpus endometrial carcinoma. Review status: no classification provided. Collection method: in vitro. Allele origin: not applicable. Functional consequence: retained intron. Not counted in ClinVar's aggregate classification.

Literature cited by the submitters: PubMed 39873864 (cited by Variantyx, Inc.); PubMed 23423984 (cited by Variantyx, Inc.); PubMed 23830146 (cited by Labcorp Genetics (formerly Invitae), Labcorp); PubMed 24292712 (cited by Labcorp Genetics (formerly Invitae), Labcorp).